The following is an entry in ClinVar:

ClinVar aggregate classification (germline): Uncertain significance (1 of 4 stars; one submission).

Submission:

GeneDx
Classification: Uncertain significance. Last evaluated: 2024-06-12. Review status: criteria provided, single submitter. Criteria: GeneDx Variant Classification Process June 2021. Collection method: clinical testing. Allele origin: germline. Affected: yes.
Comment: Canonical splice site variant in a gene or region of a gene for which loss of function is not an established mechanism of disease; Has not been previously published as pathogenic or benign to our knowledge; Not observed at significant frequency in large population cohorts (gnomAD)

NM_004304.5(ALK):c.667+1G>T

Gene: ALK (ALK receptor tyrosine kinase; minus strand). Cytogenetic location: 2p23.1.
Variant type: single nucleotide variant.
Coding change: c.667+1G>T on transcript NM_004304.5 (MANE Select); the canonical splice donor site of the intron after coding-DNA position 667, G replaced by T.
Molecular consequence: splice donor variant.
Genome position (GRCh38, 1-based): chr2:29,919,992, C>A on the plus strand (G>T on the coding strand, the complement: ALK is on the minus strand). VCF-style: chr2-29919992-C-A. GRCh37 (hg19) VCF-style: chr2-30142858-C-A.
Identifiers: ClinVar variation 3390442 (VCV003390442.1).